The following is an entry in ClinVar:

ClinVar aggregate classification (germline): Pathogenic. Review status: criteria provided, multiple submitters, no conflicts (2 of 4 stars). 12 submissions from 12 submitters: Pathogenic (10). 2 of the submissions do not count toward it. Last evaluated 2025-06-01.

Conditions:
PRNP-related disorder. Also called: PRNP-related disorders; PRNP-related condition.
Spongiform encephalopathy with neuropsychiatric features. Identifiers: MedGen C1847650, MONDO:0011703, OMIM 606688.
Huntington disease-like 1 (HDL1). Also called: PRION DISEASE, EARLY-ONSET, WITH PROMINENT PSYCHIATRIC FEATURES; HUNTINGTON-LIKE NEURODEGENERATIVE DISORDER 1; HUNTINGTON-LIKE NEURODEGENERATIVE DISORDER, AUTOSOMAL DOMINANT. Identifiers: Orphanet 157941, MedGen C1864112, MONDO:0011299, OMIM 603218.
Inherited Creutzfeldt-Jakob disease. Also called: Creutzfeldt-Jakob Disease, Familial; Genetic Creutzfeldt-Jakob Disease (Genetic CJD). Identifiers: Orphanet 204, Orphanet 282166, Orphanet 454700, MedGen C0751254, MONDO:0007403, OMIM 123400.
Gerstmann-Straussler-Scheinker syndrome (GSD). Also called: GERSTMANN-STRAUSSLER DISEASE; PRION DEMENTIA; Spongiform encephalopathy; Cerebellar ataxia, progressive dementia, and amyloid deposits in the central nervous system; Encephalopathy subacute spongiform Gerstmann-Straussler type; Spinocerebellar ataxia and plaque-like deposits. Identifiers: Orphanet 356, MedGen C0017495, MONDO:0007656, OMIM 137440.

Allele frequency attached by ClinVar (database versions not stated): gnomAD exomes below 0.00001.

Submissions (12):

CeGaT Center for Human Genetics Tuebingen
Classification: Pathogenic. Last evaluated: 2025-06-01. Review status: criteria provided, single submitter. Criteria: CeGaT Center For Human Genetics Tuebingen Variant Classification Criteria Version 2. Collection method: clinical testing. Allele origin: germline. Affected: yes. Observed: 1 variant allele.
Comment: PRNP: PM6:Strong, PP1:Strong, PS3, PS4, PM2

3billion
Classification: Pathogenic for Gerstmann-Straussler-Scheinker syndrome. Last evaluated: 2025-04-17. Review status: criteria provided, single submitter. Criteria: ACMG Guidelines, 2015. Collection method: clinical testing. Allele origin: germline. Affected: yes.
Comment: The variant is observed at an extremely low frequency in the gnomAD v4.1.0 dataset (total allele frequency: <0.001%). Predicted Consequence/Location: Missense variant. Missense changes are a common disease-causing mechanism. Functional studies provide strong evidence of the variant having a damaging effect on the gene or gene product (PMID: 11967261, 8698234). In silico tool predictions suggest damaging effect of the variant on gene or gene product [REVEL: 0.93 (>=0.6, sensitivity 0.68 and specificity 0.92)]. The same nucleotide change resulting in the same amino acid change has been previously reported as pathogenic/likely pathogenic with strong evidence (ClinVar ID: VCV000013395 / PMID: 2564168 / 3billion dataset). The variant has been previously reported as assumed (i.e. paternity and maternity not confirmed) de novo in at least one similarly affected unrelated individual (PMID: 22097954). The variant has been reported to co-segregate with the disease in at least 3 similarly affected relatives/individuals in the same family or similarly affected unrelated families (PMID: 2564168).Therefore, this variant is classified as Pathogenic according to the recommendation of ACMG/AMP guideline.

Labcorp Genetics (formerly Invitae), Labcorp
Classification: Pathogenic for Huntington disease-like 1. Last evaluated: 2024-09-21. Review status: criteria provided, single submitter. Criteria: Invitae Variant Classification Sherloc (09022015). Collection method: clinical testing. Allele origin: germline.
Comment: This sequence change replaces proline, which is neutral and non-polar, with leucine, which is neutral and non-polar, at codon 102 of the PRNP protein (p.Pro102Leu). This variant is not present in population databases (gnomAD no frequency). This missense change has been observed in individual(s) with Gerstmann-Sträussler-Scheinker (GSS) syndrome (PMID: 2564168, 19696976, 22097954). In at least one individual the variant was observed to be de novo. It has also been observed to segregate with disease in related individuals. ClinVar contains an entry for this variant (Variation ID: 13395). Invitae Evidence Modeling of protein sequence and biophysical properties (such as structural, functional, and spatial information, amino acid conservation, physicochemical variation, residue mobility, and thermodynamic stability) indicates that this missense variant is not expected to disrupt PRNP protein function with a negative predictive value of 80%. Experimental studies have shown that this missense change affects PRNP function (PMID: 8698234). For these reasons, this variant has been classified as Pathogenic.

Institute of Human Genetics Munich, TUM University Hospital
Classification: Pathogenic for Gerstmann-Straussler-Scheinker syndrome. Last evaluated: 2024-04-16. Review status: criteria provided, single submitter. Criteria: Classification criteria August 2017. Collection method: clinical testing. Allele origin: germline. Inheritance: Autosomal dominant inheritance. Affected: yes. Observed: 1 variant allele.

Mendelics
Classification: Pathogenic for Inherited Creutzfeldt-Jakob disease. Last evaluated: 2022-05-04. Review status: criteria provided, single submitter. Criteria: Mendelics Assertion Criteria 2019. Collection method: clinical testing. Allele origin: germline.

Dasa
Classification: Pathogenic for Inherited Creutzfeldt-Jakob disease. Last evaluated: 2022-01-05. Review status: criteria provided, single submitter. Criteria: ACMG Guidelines, 2015. Collection method: clinical testing. Allele origin: germline. Affected: yes. Observed: 1 variant allele.
Comment: The c.305C>T;p.(Pro102Leu) missense variant has been observed in affected individual(s) and ClinVar contains an entry for this variant (ClinVar ID: 13395; OMIM: 176640.0002; PMID: 1672296; 2564168; 2572450; 2564168; 19696976; 22097954) - PS4.This variant is not present in population databases (rs74315401, gnomAD; ABraOM no frequency) - PM2. The variant was assumed de novo, but without confirmation of paternity and maternity (PMID: 22097954) - PM6. The variant co-segregated with disease in multiple affected family members (PMID: 1672296; 2564168; 2572450) - PP1_strong. Multiple lines of computational evidence support a deleterious effect on the gene or gene product - PP3. In summary, the currently available evidence indicates that the variant is pathogenic.

Genetic Services Laboratory, University of Chicago
Classification: Pathogenic. Last evaluated: 2021-02-26. Review status: criteria provided, single submitter. Criteria: ACMG Guidelines, 2015. Collection method: clinical testing. Allele origin: germline. Affected: yes.
Comment: DNA sequence analysis of the PRNP gene demonstrated a sequence change, c.305C>T, in exon 2 that results in an amino acid change, p.Pro102Leu. This sequence change is absent from the gnomAD general population database. This sequence change has been previously described in individuals and families with Gerstmann-Straussler disease (PMIDs: 2564168, 2572450, 2783132, 19696976). The p.Pro102Leu change affects a highly conserved amino acid residue of the PRNP protein. The p.Pro102Leu variant appears to be deleterious using several in-silico pathogenicity prediction tools (SIFT, PolyPhen2, REVEL). Functional studies demonstrate cell lines with p.Pro102Leu result in decreased expression of normal prion protein and accumulation of abnormal prion protein on the cell surface (PMID: 11967261). Transgenic mice with p.Pro102Leu develop neurodegeneration (PMID: 8698234). These collective evidences indicate that this sequence change is pathogenic.

Molecular Medicine for Neurodegenerative and Neuromuscular Diseases Unit, IRCCS Fondazione Stella Maris
Classification: Pathogenic for Spongiform encephalopathy with neuropsychiatric features. Last evaluated: 2021-01-04. Review status: criteria provided, single submitter. Criteria: ACMG Guidelines, 2015. Collection method: research. Allele origin: unknown. Affected: yes.

Blueprint Genetics
Classification: Pathogenic for PRNP-related disorders. Last evaluated: 2019-01-31. Review status: criteria provided, single submitter. Criteria: ACMG Guidelines, 2015. Collection method: clinical testing. Allele origin: germline. Affected: yes. Observed: 1 variant allele.

Clinical Genetics and Genomics, Karolinska University Hospital
Classification: Pathogenic. Last evaluated: 2015-10-12. Review status: criteria provided, single submitter. Criteria: ACMG Guidelines, 2015. Collection method: clinical testing. Allele origin: germline. Affected: yes. Observed: 1 variant allele.

OMIM
Classification: Pathogenic for GERSTMANN-STRAUSSLER DISEASE. Last evaluated: 2002-07-05. Review status: no assertion criteria provided. Collection method: literature only. Allele origin: germline. Not counted in ClinVar's aggregate classification.

GeneReviews
No classification provided. Condition: Gerstmann-Straussler-Scheinker syndrome. Review status: no classification provided. Collection method: literature only. Allele origin: germline. Not counted in ClinVar's aggregate classification.
Comment: Associated with Gerstmann-Straussler-Scheinker syndrome phenotype. One of the five most common variants that account for 85% of genetic prion disease.

Literature cited by the submitters: PubMed 22097954 (cited by 3 submitters); PubMed 11967261 (cited by 3 submitters); PubMed 8698234 (cited by 3billion and Labcorp Genetics (formerly Invitae), Labcorp); PubMed 2564168 (cited by 4 submitters); PubMed 19696976 (cited by Labcorp Genetics (formerly Invitae), Labcorp and Dasa); PubMed 1672296 (cited by Dasa and OMIM); PubMed 2572450 (cited by Dasa and OMIM); PubMed 23668481 (cited by Dasa); PubMed 16380907 (cited by Dasa); PubMed 17666888 (cited by Dasa); PubMed 15967879 (cited by Dasa); PubMed 12172394 (cited by Dasa); PubMed 2783132 (cited by OMIM); Gerstmann, J., Straussler, E., Scheinker, I. Ueber eine eigenartige hereditaer-familiaere Erkrankung des Zentralnervensystems. Z. Ges. Neurol. Psychiat. 154: 736-762, 1936. (cited by OMIM); Seitelberger, F. Eigenartige familiaer-hereditaere Krankheit des Zentralnervensystems in einer Niederoesterreichischen Sippe (zugleich ein Beitrag zur vergleichenden Neuropathologie des Kuru). Wien. Klin. Wschr. 74: 687-691, 1962. (cited by OMIM); PubMed 1674033 (cited by OMIM); PubMed 2190844 (cited by OMIM); PubMed 7902971 (cited by OMIM); PubMed 2180366 (cited by OMIM); PubMed 9653185 (cited by OMIM); PubMed 29887139 (cited by GeneReviews); PubMed 20301407 (cited by GeneReviews).

NM_000311.5(PRNP):c.305C>T (p.Pro102Leu)

Gene: PRNP (prion protein (Kanno blood group); plus strand). Cytogenetic location: 20p13.
Variant type: single nucleotide variant.
Coding change: c.305C>T on transcript NM_000311.5 (MANE Select); coding-DNA position 305, C replaced by T.
Protein change: p.Pro102Leu; replaces proline 102 with leucine.
Molecular consequence: missense variant. On other transcripts: synonymous variant (1).
Genome position (GRCh38, 1-based): chr20:4,699,525, C>T. VCF-style: chr20-4699525-C-T. GRCh37 (hg19) VCF-style: chr20-4680171-C-T.
Other names: c.305C>T, p.Pro102Leu (NM_001080121.3, NM_001080122.3, NM_001080123.3 and 1 more transcripts); c.216C>T, p.Ala72= (NM_001271561.3); c.305C>T (NM_000311.4); short protein forms P102L.
Identifiers: ClinVar variation 13395 (VCV000013395.35), dbSNP rs74315401, ClinGen allele CA256774.